The following is an entry in ClinVar:

ClinVar aggregate classification (germline): Pathogenic (1 of 4 stars; one submission).

Submission:

Labcorp Genetics (formerly Invitae), Labcorp
Classification: Pathogenic. Last evaluated: 2020-03-10. Review status: criteria provided, single submitter. Criteria: Invitae Variant Classification Sherloc (09022015). Collection method: clinical testing. Allele origin: germline.
Comment: For these reasons, this variant has been classified as Pathogenic. Loss-of-function variants in ABCA4 are known to be pathogenic (PMID: 10958761, 24938718, 25312043, 26780318). This variant has been observed in individual(s) with retinitis pigmentosa or Stargardt disease (PMID: 25999674, 30643219). This variant is not present in population databases (ExAC no frequency). This sequence change creates a premature translational stop signal (p.Asn2052Thrfs*9) in the ABCA4 gene. It is expected to result in an absent or disrupted protein product.

Literature cited by the submitters: PubMed 10958761; PubMed 24938718; PubMed 25312043; PubMed 26780318; PubMed 25999674; PubMed 30643219.

NM_000350.3(ABCA4):c.6155del (p.Asn2052fs)

Gene: ABCA4 (ATP binding cassette subfamily A member 4; minus strand). Cytogenetic location: 1p22.1.
Variant type: Deletion.
Coding change: c.6155del on transcript NM_000350.3 (MANE Select); coding-DNA position 6155, one base deleted (A; older notation c.6155delA).
Protein change: p.Asn2052fs; shifts the reading frame from asparagine 2052.
Molecular consequence: frameshift variant.
Genome position (GRCh38, 1-based): chr1:94,001,985, T deleted on the plus strand (A on the coding strand, the reverse complement: ABCA4 is on the minus strand); the first of 3 consecutive T bases (chr1:94,001,985-94,001,987); deleting any one gives the same sequence. VCF-style (leftmost placement, unchanged base first): chr1-94001984-GT-G. GRCh37 (hg19) VCF-style: chr1-94467540-GT-G.
Other names: c.5931delA, p.Asn1978Thrfs (NM_001425324.1); short protein forms N2052fs.
Identifiers: ClinVar variation 1071050 (VCV001071050.9), dbSNP rs2100995699, ClinGen allele CA2499214874.